The following is an entry in ClinVar:

ClinVar aggregate classification (germline): Pathogenic/Likely pathogenic. Review status: criteria provided, multiple submitters, no conflicts (2 of 4 stars). 2 submissions from 2 submitters: Pathogenic (1); Likely pathogenic (1). Last evaluated 2025-06-13.

Conditions:
Hereditary cancer-predisposing syndrome. Also called: Tumor predisposition; Hereditary Cancer Syndrome; Neoplastic Syndromes, Hereditary; Hereditary neoplastic syndrome. Identifiers: Orphanet 140162, MedGen C0027672, MeSH D009386, MONDO:0015356.
Familial cancer of breast. Also called: BREAST CANCER, FAMILIAL; Hereditary breast cancer; hereditary breast carcinoma. Identifiers: Orphanet 227535, MedGen C0346153, MONDO:0016419, OMIM 114480. Disease mechanism: loss of function.

Submissions (2):

Ambry Genetics
Classification: Pathogenic for Hereditary cancer-predisposing syndrome. Last evaluated: 2025-06-13. Review status: criteria provided, single submitter. Criteria: Ambry Variant Classification Scheme 2023. Collection method: clinical testing. Allele origin: germline.
Comment: The p.K110* pathogenic mutation (also known as c.328A>T), located in coding exon 3 of the BARD1 gene, results from an A to T substitution at nucleotide position 328. This changes the amino acid from a lysine to a stop codon within coding exon 3. This variant is considered to be rare based on population cohorts in the Genome Aggregation Database (gnomAD). This alteration is expected to result in loss of function by premature protein truncation or nonsense-mediated mRNA decay. As such, this alteration is interpreted as a disease-causing mutation.

Baylor Genetics
Classification: Likely pathogenic for Familial cancer of breast. Last evaluated: 2021-10-28. Review status: criteria provided, single submitter. Criteria: ACMG Guidelines, 2015. Collection method: clinical testing. Allele origin: unknown.

NM_000465.4(BARD1):c.328A>T (p.Lys110Ter)

Gene: BARD1 (BRCA1 associated RING domain 1; minus strand). Cytogenetic location: 2q35.
Variant type: single nucleotide variant.
Coding change: c.328A>T on transcript NM_000465.4 (MANE Select); coding-DNA position 328, A replaced by T.
Protein change: p.Lys110Ter; replaces lysine 110 with a stop codon.
Molecular consequence: nonsense. On other transcripts: intron variant (2), non-coding transcript variant (1).
Genome position (GRCh38, 1-based): chr2:214,792,333, T>A on the plus strand (A>T on the coding strand, the complement: BARD1 is on the minus strand). VCF-style: chr2-214792333-T-A. GRCh37 (hg19) VCF-style: chr2-215657057-T-A.
Other names: c.215+4728A>T (NM_001282545.2); c.271A>T, p.Lys91Ter (NM_001282543.2); c.328A>T, p.Lys110Ter (NM_001282549.2); c.158+17079A>T (NM_001282548.2); short protein forms K91*, K110*.
Identifiers: ClinVar variation 823451 (VCV000823451.6), dbSNP rs1574839460, ClinGen allele CA350460865.